The following is an entry in ClinVar:

ClinVar aggregate classification (germline): Conflicting classifications of pathogenicity. Review status: criteria provided, conflicting classifications (1 of 4 stars). 9 submissions from 9 submitters: Likely pathogenic (4); Uncertain significance (2); Likely benign (2). 1 of the submissions does not count toward it. Last evaluated 2026-06-27.

Conditions:
PROKR2-related disorder. Also called: PROKR2-related condition.
Hypogonadotropic hypogonadism 3 with or without anosmia (HH3). Also called: PROKR2-Related GnRH Deficiency (Kallmann Syndrome 3); HYPOGONADOTROPIC HYPOGONADISM 3 WITH ANOSMIA. Identifiers: Orphanet 478, MedGen C3550478, MONDO:0009482, OMIM 244200.

Allele frequency attached by ClinVar (database versions not stated): gnomAD 0.00003 and 0.00005; gnomAD exomes 0.00008 and 0.00022; TOPMed 0.00009; 1000 Genomes Project 30x 0.00016; ExAC 0.00018; 1000 Genomes Project 0.00020.
gnomAD v4.1: 122 of 1,614,188 alleles (0.0076%); highest among the groups gnomAD compares: East Asian, 0.25%; no homozygotes.

Submissions (9):

PreventionGenetics, part of Exact Sciences
Classification: Uncertain significance for PROKR2-related condition. Last evaluated: 2026-06-27. Review status: criteria provided, single submitter. Criteria: ACMG Guidelines, 2015. Collection method: clinical testing. Allele origin: germline.
Comment: The PROKR2 c.533G>C variant is predicted to result in the amino acid substitution p.Trp178Ser. This variant has been reported in individuals with Kallmann syndrome or normosmic idiopathic hypogonadotropic hypogonadism (Dodé et al. 2006. PubMed ID: 17054399; Wang et al. 2022. PubMed ID: 35669683; Chen et al. 2024. PubMed ID: 39285472). The variant has been observed in the heterozygous (Cole et al. 2008. PubMed ID: 18559922; Zhang et al. 2021. PubMed ID: 34348883; Tang et al. 2023. PubMed ID: 37493574), homozygous or compound heterozygous (Zhao et al. 2018. PubMed ID: 30576231; Zhang et al. 2019. PubMed ID: 31219235; Sugisawa et al. 2022. PubMed ID: 35236788), and proposed oligogenic state (Kardelen et al. 2023. PubMed ID: 37338295; Chen et al. 2024. PubMed ID: 39285472; Yuan et al. 2025. PubMed ID: 40034250), with affected individuals demonstrating similar severity. The variant has also been reported in asymptomatic family members, suggesting incomplete penetrance (Zhang et al. 2021. PubMed ID: 33208564; Yuan et al. 2025. PubMed ID: 40034250). In vitro experimental studies suggest this variant significantly impairs protein function compared to wildtype (Monnier et al. 2008. PubMed ID: 18826963; Song et al. 2022. PubMed ID: 35173048; Supplemental table 2, Wang et al. 2022. PubMed ID: 35669683). This variant is reported in 0.28% of alleles in individuals of East Asian descent in gnomAD and has conflicting classifications in ClinVar ranging from likely benign to likely pathogenic (Variation ID: 156564). At this time, the clinical significance of this variant is uncertain due to the absence of conclusive functional and genetic evidence.

Variantyx, Inc.
Classification: Likely pathogenic for Hypogonadotropic hypogonadism 3 with or without anosmia. Last evaluated: 2025-11-23. Review status: criteria provided, single submitter. Criteria: Variantyx Assertion Criteria 2022. Collection method: clinical testing. Allele origin: germline. Inheritance: Autosomal dominant inheritance. Affected: yes.
Comment: This is a nonsynonymous variant in the PROKR2 gene (OMIM: 607123). Pathogenic variants in this gene have been associated with autosomal dominant hypogonadotropic hypogonadism 3 with or without anosmia. This variant has been reported in the heterozygous state in several unrelated affected individuals (PMID: 17054399, 28295047, 28915117, 30098700). Functional studies have shown that this variant alters PROKR2 protein function (PMID: 18826963, 29161432) (PS3), and multiple computational algorithms predict a deleterious effect for this variant (REVEL score: 0.901) (PP3). This variant has a 0.2518% maximum allele frequency in non-founder control populations. Based on the current evidence, this variant is classified as likely pathogenic for autosomal dominant hypogonadotropic hypogonadism 3 with or without anosmia.

Labcorp Genetics (formerly Invitae), Labcorp
Classification: Likely benign. Last evaluated: 2025-03-11. Review status: criteria provided, single submitter. Criteria: Invitae Variant Classification Sherloc (09022015). Collection method: clinical testing. Allele origin: germline.

Blueprint Genetics
Classification: Likely pathogenic for PROKR2-related disorders. Last evaluated: 2024-08-26. Review status: criteria provided, single submitter. Criteria: ACMG Guidelines, 2015. Collection method: clinical testing. Allele origin: germline. Affected: yes. Observed: 5 variant alleles.

GeneDx
Classification: Likely pathogenic. Last evaluated: 2023-07-14. Review status: criteria provided, single submitter. Criteria: GeneDx Variant Classification Process June 2021. Collection method: clinical testing. Allele origin: germline. Affected: yes.
Comment: Identified in patients with hypogonadotropic hypogonadism or hypospadias in published literature who inherited the variant from an unaffected parent, suggesting reduced penetrance or oligogenic inheritance (Aoyama et al., 2017; Zhang et al., 2019; Zhang et al., 2021; Liu et al., 2022); Identified in patients with potentially causative variants in other genes and in one patient with a second PROKR2 variant on the opposite allele (in trans) in published literature, supporting oligogenic or recessive inheritance (Zhao et al., 2019; Zhang et al., 2019; Chen et al., 2020; Liu et al., 2022); Published functional studies demonstrate a damaging effect on transport to the plasma membrane, MAPK signaling, and mobilization of intracellular calcium (Monnier at al., 2009; Cox et al., 2018; Song et al., 2022); In silico analysis supports that this missense variant has a deleterious effect on protein structure/function; Observed de novo without confirmed parentage in multiple unrelated patients with Kallmann syndrome or normosmic idiopathic hypogonadotropic hypogonadism in published literature (Liu et al., 2022); This variant is associated with the following publications: (PMID: 22995991, 34489640, 33120852, 34653508, 35669683, 33983622, 18559922, 36317218, 35207461, 36123965, 19707180, 34636164, 35922219, 37122876, 26088945, 24753254, 33968656, 21736917, 32155719, 21664414, 20502053, 35173048, 29161432, 18826963, 26141714, 17054399, 28915117, 30098700, 30487145, 28295047, 33208564, 31219235, 30216942, 32171629, 35090434, 30576231)

Victorian Clinical Genetics Services, Murdoch Childrens Research Institute
Classification: Likely benign for Hypogonadotropic hypogonadism 3 with or without anosmia. Last evaluated: 2020-10-19. Review status: criteria provided, single submitter. Criteria: ACMG Guidelines, 2015. Collection method: clinical testing. Allele origin: germline. Inheritance: Autosomal dominant inheritance.
Comment: Based on the classification scheme VCGS_Germline_v1.3.3, this variant is classified as likely benign. Following criteria are met: 0103 - Dominant negative and loss of function are known mechanisms of disease in this gene and are associated with Kallmann syndrome (PMID: 29161432, PMID: 18826963). (I) 0108 - This gene is associated with both recessive and dominant disease. Heterozygotes, compound heterozygotes and homozygous have all been reported and digenic inheritance is also suggested (OMIM). (I) 0112 - The condition associated with this gene has been indicated to have incomplete penetrance. Heterozygotes have been reported as asymptomatic carriers (OMIM). (I) 0200 - Variant is predicted to result in a missense amino acid change from tryptophan to serine. (I) 0251 - This variant is heterozygous. (I) 0308 - Population frequency for this variant is out of keeping with known incidence of Kallmann syndrome. The gnomAD frequency data is skewed towards the East Asian population, with 56 out of 58 global heterozygotes being observed in this subpopulation. This variant is present in 0.3% of the East Asian gnomAD population. (SB) 0501 - Missense variant consistently predicted to be damaging by multiple in silico tools or highly conserved with a major amino acid change. (SP) 0600 - Variant is located in the annotated 7-transmembrane receptor (NCBI_Conserved_Domains, DECIPHER, RCSB-PDB). (I) 0705 - No missense variants affecting the same amino acid have previous evidence for pathogenicity. (I) 0808 - Previous reports of pathogenicity for this variant are conflicting. This variant has been reported in Kallmann syndrome patients (PMID: 30576231, PMID: 30216942), however, it has also been reported in unaffected individuals (PMID: 30487145) and in patients with pathogenic variants in other genes (PMID: 31219235). ClinVar has conflicting interpretation of pathogenicity for this variant, however, the most recent entry is likely benign. To our knowledge, this variant has only been reported in patients from the East Asian region, a region in which this variant is present in the general population. (I) 1010 - Functional evidence for this variant is inconclusive. HEK cell functional analysis indicates that this variant may impair cell surface-targeting of the receptor (PMID: 18826963). (I) 1208 - Inheritance information for this variant is not currently available in this individual. (I) Legend: (SP) - Supporting pathogenic, (I) - Information, (SB) - Supporting benign

Soonchunhyang University Bucheon Hospital, Soonchunhyang University Medical Center
Classification: Likely pathogenic for Hypogonadotropic hypogonadism 3 with or without anosmia. Last evaluated: 2016-03-18. Review status: criteria provided, single submitter. Criteria: ACMG Guidelines, 2015. Collection method: reference population. Allele origin: germline. Observed: 1 variant allele.

Juno Genomics, Hangzhou Juno Genomics, Inc
Classification: Uncertain significance for Hypogonadotropic hypogonadism 3 with or without anosmia. Review status: criteria provided, single submitter. Criteria: ACMG Guidelines, 2015. Collection method: clinical testing. Allele origin: germline.
Comment: Allele frequency is greater than expected for disorder.;Well-established in vitro or in vivo functional studies supportive of a damaging effect on the gene or gene product.;The prevalence of the variant in affected individuals is significantly increased compared to the prevalence in controls.;Assumed de novo, but without confirmation of paternity and maternity.;Patient's phenotype or family history is highly specific for a disease with a single genetic etiology.

OMIM
Classification: Pathogenic for HYPOGONADOTROPIC HYPOGONADISM 3 WITH OR WITHOUT ANOSMIA. Last evaluated: 2009-01-01. Review status: no assertion criteria provided. Collection method: literature only. Allele origin: germline. Not counted in ClinVar's aggregate classification.

Literature cited by the submitters: PubMed 18826963 (cited by 4 submitters); PubMed 29161432 (cited by Variantyx, Inc. and Victorian Clinical Genetics Services, Murdoch Childrens Research Institute); PubMed 30216942 (cited by Victorian Clinical Genetics Services, Murdoch Childrens Research Institute); PubMed 30487145 (cited by Victorian Clinical Genetics Services, Murdoch Childrens Research Institute); PubMed 30576231 (cited by Victorian Clinical Genetics Services, Murdoch Childrens Research Institute); PubMed 31219235 (cited by Victorian Clinical Genetics Services, Murdoch Childrens Research Institute); PubMed 17054399 (cited by Soonchunhyang University Bucheon Hospital, Soonchunhyang University Medical Center and OMIM); PubMed 18559922 (cited by OMIM); PubMed 35236788 (cited by OMIM).

NM_144773.4(PROKR2):c.533G>C (p.Trp178Ser)

Gene: PROKR2 (prokineticin receptor 2; minus strand). Cytogenetic location: 20p12.3.
Variant type: single nucleotide variant.
Coding change: c.533G>C on transcript NM_144773.4 (MANE Select); coding-DNA position 533, G replaced by C.
Protein change: p.Trp178Ser; replaces tryptophan 178 with serine.
Molecular consequence: missense variant.
Genome position (GRCh38, 1-based): chr20:5,302,662, C>G on the plus strand (G>C on the coding strand, the complement: PROKR2 is on the minus strand). VCF-style: chr20-5302662-C-G. GRCh37 (hg19) VCF-style: chr20-5283308-C-G.
Other names: c.533G>C (NM_144773.3); short protein forms W178S.
Identifiers: ClinVar variation 156564 (VCV000156564.17), dbSNP rs201835496, ClinGen allele CA270917.